The following is an entry in ClinVar:

ClinVar aggregate classification (germline): Conflicting classifications of pathogenicity. Review status: criteria provided, conflicting classifications (1 of 4 stars). 2 submissions from 2 submitters: Likely pathogenic (1); Uncertain significance (1). Last evaluated 2022-08-30.

Conditions:
CSF1R-related disorder. Also called: CSF1R-related condition. Identifiers: MedGen CN379780, MONDO:0100632.

Allele frequency attached by ClinVar (database versions not stated): TOPMed below 0.00001; gnomAD 0.00001.
gnomAD v4.1: 1 of 1,614,050 alleles (0.000062%); highest among the groups gnomAD compares: Non-Finnish European, 0.000085%; no homozygotes.

Submissions (2):

PreventionGenetics, part of Exact Sciences
Classification: Uncertain significance for CSF1R-related condition. Last evaluated: 2022-08-30. Review status: criteria provided, single submitter. Criteria: ACMG Guidelines, 2015. Collection method: clinical testing. Allele origin: germline.
Comment: The CSF1R c.2392G>A variant is predicted to result in the amino acid substitution p.Gly798Arg. To our knowledge, this variant has not been reported in the literature or in a large population database, indicating this variant is rare. At this time, the clinical significance of this variant is uncertain due to the absence of conclusive functional and genetic evidence.

Labcorp Genetics (formerly Invitae), Labcorp
Classification: Likely pathogenic. Last evaluated: 2022-08-14. Review status: criteria provided, single submitter. Criteria: Invitae Variant Classification Sherloc (09022015). Collection method: clinical testing. Allele origin: germline.
Comment: In summary, the currently available evidence indicates that the variant is pathogenic, but additional data are needed to prove that conclusively. Therefore, this variant has been classified as Likely Pathogenic. Advanced modeling of protein sequence and biophysical properties (such as structural, functional, and spatial information, amino acid conservation, physicochemical variation, residue mobility, and thermodynamic stability) performed at Invitae indicates that this missense variant is expected to disrupt CSF1R protein function. ClinVar contains an entry for this variant (Variation ID: 1352773). This missense change has been observed in individuals with clinical features of hereditary diffuse leukoencephalopathy with spheroids (HDLS) (Invitae). This variant is not present in population databases (gnomAD no frequency). This sequence change replaces glycine, which is neutral and non-polar, with arginine, which is basic and polar, at codon 798 of the CSF1R protein (p.Gly798Arg).

NM_001288705.3(CSF1R):c.2392G>A (p.Gly798Arg)

Gene: CSF1R (colony stimulating factor 1 receptor; minus strand). Cytogenetic location: 5q32.
Variant type: single nucleotide variant.
Coding change: c.2392G>A on transcript NM_001288705.3 (MANE Select); coding-DNA position 2392, G replaced by A.
Protein change: p.Gly798Arg; replaces glycine 798 with arginine.
Molecular consequence: missense variant. On other transcripts: non-coding transcript variant (2).
Genome position (GRCh38, 1-based): chr5:150,056,269, C>T on the plus strand (G>A on the coding strand, the complement: CSF1R is on the minus strand). VCF-style: chr5-150056269-C-T. GRCh37 (hg19) VCF-style: chr5-149435832-C-T.
Other names: c.2392G>A (NM_005211.3); c.2392G>A, p.Gly798Arg (NM_001349736.2, NM_001375320.1, NM_005211.4); c.1948G>A, p.Gly650Arg (NM_001375321.1); short protein forms G798R, G650R.
Identifiers: ClinVar variation 1352773 (VCV001352773.6), dbSNP rs1209791630, ClinGen allele CA361758884.
Genomic context (GRCh38, chr5:150,056,269, plus strand): 5'-CAGCACTTACATTGCCCTTGACAATGTAGTTGGAGTCATTCATGATGTCCCTAGCCAGCC[C>T]GAAGTCCCCAATCTTGGCCACATGACCATTGGTCAACAGCACGTTACGCGCTGCCACGTC-3'
Protein context (NP_001275634.1, residues 788-808): NGHVAKIGDF[Gly798Arg]LARDIMNDSN